The following is an entry in ClinVar:

NM_001257096.2(PAX1):c.*75C>A

Gene: PAX1 (paired box 1; plus strand). Cytogenetic location: 20p11.22.
Variant type: single nucleotide variant.
Coding change: c.*75C>A on transcript NM_001257096.2 (MANE Select); 75 bases downstream of the stop codon, C replaced by A.
Molecular consequence: 3 prime UTR variant. On other transcripts: missense variant (1).
Genome position (GRCh38, 1-based): chr20:21,714,637, C>A. VCF-style: chr20-21714637-C-A. GRCh37 (hg19) VCF-style: chr20-21695275-C-A.
Other names: c.1439C>A, p.Pro480Gln (NM_006192.5); short protein forms P480Q.
Identifiers: ClinVar variation 2082012 (VCV002082012.3), dbSNP rs769268661, ClinGen allele CA408500116.
Genomic context (GRCh38, chr20:21,714,637, plus strand): 5'-GGACCCGAGCCCGGAGGGAACGGCAGGCGGACCCGGGCGCACAGGTCTGCGCGGCGGCCC[C>A]GGCAATCGGCACGGGCAGGATCGGAGGACTCGCGGAGGAGGAAGCCAGTGCCGGCCCGCG-3'

ClinVar aggregate classification (germline): Uncertain significance (1 of 4 stars; one submission).

Submission:

Labcorp Genetics (formerly Invitae), Labcorp
Classification: Uncertain significance. Last evaluated: 2025-07-14. Review status: criteria provided, single submitter. Criteria: Invitae Variant Classification Sherloc (09022015). Collection method: clinical testing. Allele origin: germline.
Comment: This sequence change replaces proline, which is neutral and non-polar, with glutamine, which is neutral and polar, at codon 480 of the PAX1 protein (p.Pro480Gln). This variant is not present in population databases (gnomAD no frequency). This variant has not been reported in the literature in individuals affected with PAX1-related conditions. ClinVar contains an entry for this variant (Variation ID: 2082012). An algorithm developed to predict the effect of missense changes on protein structure and function (PolyPhen-2) suggests that this variant is likely to be tolerated. In summary, the available evidence is currently insufficient to determine the role of this variant in disease. Therefore, it has been classified as a Variant of Uncertain Significance.